The following is an entry in ClinVar:

ClinVar aggregate classification (germline): Uncertain significance. Review status: criteria provided, multiple submitters, no conflicts (2 of 4 stars). 2 submissions from 2 submitters: Uncertain significance (2). Last evaluated 2026-01-28.

Conditions:
Inborn genetic diseases. Identifiers: MedGen C0950123, MeSH D030342.
PKD1L1-related disorder. Also called: PKD1L1-related condition.

gnomAD v4.1: 11 of 1,605,272 alleles (0.00069%); highest among the groups gnomAD compares: East Asian, 0.02%; no homozygotes.

Submissions (2):

PreventionGenetics, part of Exact Sciences
Classification: Uncertain significance for PKD1L1-related condition. Last evaluated: 2026-01-28. Review status: criteria provided, single submitter. Criteria: ACMG Guidelines, 2015. Collection method: clinical testing. Allele origin: germline.
Comment: The PKD1L1 c.7454T>A variant is predicted to result in the amino acid substitution p.Leu2485His. To our knowledge, this variant has not been reported in the literature. This variant is reported in 0.048% of alleles in individuals of East Asian descent in gnomAD. At this time, the clinical significance of this variant is uncertain due to the absence of conclusive functional and genetic evidence.

Ambry Genetics
Classification: Uncertain significance for Inborn genetic diseases. Last evaluated: 2024-09-10. Review status: criteria provided, single submitter. Criteria: Ambry Variant Classification Scheme 2023. Collection method: clinical testing. Allele origin: germline.

NM_138295.5(PKD1L1):c.7454T>A (p.Leu2485His)

Genes: PKD1L1 (polycystin 1 like 1, transient receptor potential channel interacting; minus strand), PKD1L1-AS1 (PKD1L1 antisense RNA 1; plus strand). Cytogenetic location: 7p12.3.
Variant type: single nucleotide variant.
Coding change: c.7454T>A on transcript NM_138295.5 (MANE Select); coding-DNA position 7454, T replaced by A.
Protein change: p.Leu2485His; replaces leucine 2485 with histidine.
Molecular consequence: missense variant.
Genome position (GRCh38, 1-based): chr7:47,811,944, A>T on the plus strand (T>A on the coding strand, the complement: PKD1L1 is on the minus strand). VCF-style: chr7-47811944-A-T. GRCh37 (hg19) VCF-style: chr7-47851542-A-T.
Other names: short protein forms L2485H.
Identifiers: ClinVar variation 3419073 (VCV003419073.2).